The following is an entry in ClinVar:

ClinVar aggregate classification (germline): Uncertain significance. Review status: criteria provided, multiple submitters, no conflicts (2 of 4 stars). 2 submissions from 2 submitters: Uncertain significance (2). Last evaluated 2025-05-09.

Conditions:
Hereditary cancer-predisposing syndrome. Also called: Neoplastic Syndromes, Hereditary; Tumor predisposition; Hereditary Cancer Syndrome; Hereditary neoplastic syndrome. Identifiers: Orphanet 140162, MedGen C0027672, MeSH D009386, MONDO:0015356.
Retinoblastoma (RB1). Also called: RETINOBLASTOMA, SOMATIC. Identifiers: Orphanet 790, MedGen C0035335, MeSH D012175, MONDO:0008380, OMIM 180200, HP:0009919. Disease mechanism: loss of function. Inheritance: Both sporadic and heritable forms are tested..

Submissions (2):

Ambry Genetics
Classification: Uncertain significance for Hereditary cancer-predisposing syndrome. Last evaluated: 2025-05-09. Review status: criteria provided, single submitter. Criteria: Ambry Variant Classification Scheme 2023. Collection method: clinical testing. Allele origin: germline.
Comment: The p.P298H variant (also known as c.893C>A), located in coding exon 9 of the RB1 gene, results from a C to A substitution at nucleotide position 893. The proline at codon 298 is replaced by histidine, an amino acid with similar properties. This amino acid position is highly conserved in available vertebrate species. In addition, the in silico prediction for this alteration is inconclusive. Based on the available evidence, the clinical significance of this variant remains unclear.

Labcorp Genetics (formerly Invitae), Labcorp
Classification: Uncertain significance for Retinoblastoma. Last evaluated: 2023-11-24. Review status: criteria provided, single submitter. Criteria: Invitae Variant Classification Sherloc (09022015). Collection method: clinical testing. Allele origin: germline.
Comment: This sequence change replaces proline, which is neutral and non-polar, with histidine, which is basic and polar, at codon 298 of the RB1 protein (p.Pro298His). This variant is not present in population databases (gnomAD no frequency). This variant has not been reported in the literature in individuals affected with RB1-related conditions. ClinVar contains an entry for this variant (Variation ID: 1765177). Advanced modeling of protein sequence and biophysical properties (such as structural, functional, and spatial information, amino acid conservation, physicochemical variation, residue mobility, and thermodynamic stability) performed at Invitae indicates that this missense variant is not expected to disrupt RB1 protein function with a negative predictive value of 80%. In summary, the available evidence is currently insufficient to determine the role of this variant in disease. Therefore, it has been classified as a Variant of Uncertain Significance.

NM_000321.3(RB1):c.893C>A (p.Pro298His)

Gene: RB1 (RB transcriptional corepressor 1; plus strand). Cytogenetic location: 13q14.2.
Variant type: single nucleotide variant.
Coding change: c.893C>A on transcript NM_000321.3 (MANE Select); coding-DNA position 893, C replaced by A.
Protein change: p.Pro298His; replaces proline 298 with histidine.
Molecular consequence: missense variant.
Genome position (GRCh38, 1-based): chr13:48,364,925, C>A. VCF-style: chr13-48364925-C-A. GRCh37 (hg19) VCF-style: chr13-48939061-C-A.
Other names: c.893C>A, p.Pro298His (NM_001407165.1, NM_001407166.1); short protein forms P298H.
Identifiers: ClinVar variation 1765177 (VCV001765177.6), dbSNP rs759675910, ClinGen allele CA249275364.
Genomic context (GRCh38, chr13:48,364,925, plus strand): 5'-TGATCATGTTGTAACTTCATCTTTTTCAGGTGAAAAATGTTTATTTCAAAAATTTTATAC[C>A]TTTTATGAATTCTCTTGGACTTGTAACATCTAATGGACTTCCAGAGGTAATCTGAAAGGA-3'
Protein context (NP_000312.2, residues 288-308): VKNVYFKNFI[Pro298His]FMNSLGLVTS